The following is an entry in ClinVar:

NM_015178.3(RHOBTB2):c.857C>T (p.Ser286Phe)

Gene: RHOBTB2 (Rho related BTB domain containing 2; plus strand). Cytogenetic location: 8p21.3.
Variant type: single nucleotide variant.
Coding change: c.857C>T on transcript NM_015178.3 (MANE Select); coding-DNA position 857, C replaced by T.
Protein change: p.Ser286Phe; replaces serine 286 with phenylalanine.
Molecular consequence: missense variant.
Genome position (GRCh38, 1-based): chr8:23,007,102, C>T. VCF-style: chr8-23007102-C-T. GRCh37 (hg19) VCF-style: chr8-22864615-C-T.
Other names: c.923C>T, p.Ser308Phe (NM_001160036.2); c.878C>T, p.Ser293Phe (NM_001160037.2); c.857C>T, p.Ser286Phe (NM_001374791.1); short protein forms S286F, S293F, S308F.
Identifiers: ClinVar variation 1714670 (VCV001714670.5), dbSNP rs1787364517, ClinGen allele CA370566156.

ClinVar aggregate classification (germline): Uncertain significance (1 of 4 stars; one submission).

Allele frequency attached by ClinVar (database versions not stated): TOPMed below 0.00001.

Submission:

Labcorp Genetics (formerly Invitae), Labcorp
Classification: Uncertain significance. Last evaluated: 2022-09-27. Review status: criteria provided, single submitter. Criteria: Invitae Variant Classification Sherloc (09022015). Collection method: clinical testing. Allele origin: germline.
Comment: This sequence change replaces serine, which is neutral and polar, with phenylalanine, which is neutral and non-polar, at codon 308 of the RHOBTB2 protein (p.Ser308Phe). This variant is not present in population databases (gnomAD no frequency). This variant has not been reported in the literature in individuals affected with RHOBTB2-related conditions. Advanced modeling of protein sequence and biophysical properties (such as structural, functional, and spatial information, amino acid conservation, physicochemical variation, residue mobility, and thermodynamic stability) performed at Invitae indicates that this missense variant is not expected to disrupt RHOBTB2 protein function. In summary, the available evidence is currently insufficient to determine the role of this variant in disease. Therefore, it has been classified as a Variant of Uncertain Significance.